The following is an entry in ClinVar:

ClinVar aggregate classification (germline): Uncertain significance (1 of 4 stars; one submission).

Submission:

GeneDx
Classification: Uncertain significance. Last evaluated: 2024-06-10. Review status: criteria provided, single submitter. Criteria: GeneDx Variant Classification Process June 2021. Collection method: clinical testing. Allele origin: germline. Affected: yes.
Comment: Not observed at significant frequency in large population cohorts (gnomAD); In silico analysis supports a deleterious effect on splicing; In silico analysis indicates that this missense variant does not alter protein structure/function; Has not been previously published as pathogenic or benign to our knowledge

NM_000836.4(GRIN2D):c.2440G>A (p.Asp814Asn)

Gene: GRIN2D (glutamate ionotropic receptor NMDA type subunit 2D; plus strand). Cytogenetic location: 19q13.33.
Variant type: single nucleotide variant.
Coding change: c.2440G>A on transcript NM_000836.4 (MANE Select); coding-DNA position 2440, G replaced by A.
Protein change: p.Asp814Asn; replaces aspartic acid 814 with asparagine.
Molecular consequence: missense variant.
Genome position (GRCh38, 1-based): chr19:48,441,956, G>A. VCF-style: chr19-48441956-G-A. GRCh37 (hg19) VCF-style: chr19-48945213-G-A.
Other names: short protein forms D814N.
Identifiers: ClinVar variation 3390721 (VCV003390721.1).